The following is an entry in ClinVar:

ClinVar aggregate classification (germline): Uncertain significance (1 of 4 stars; one submission).

Conditions:
Kleefstra syndrome 2 (KLEFS2). Identifiers: MedGen C4540395, MONDO:0054701, OMIM 617768.

Submission:

Juno Genomics, Hangzhou Juno Genomics, Inc
Classification: Uncertain significance for Kleefstra syndrome 2. Review status: criteria provided, single submitter. Criteria: ACMG Guidelines, 2015. Collection method: clinical testing. Allele origin: germline.
Comment: Absent from controls (or at extremely low frequency if recessive) in Genome Aggregation Database.;Multiple lines of computational evidence support a deleterious effect on the gene or gene product.

NM_170606.3(KMT2C):c.3456A>G (p.Glu1152=)

Gene: KMT2C (lysine methyltransferase 2C; minus strand). Cytogenetic location: 7q36.1.
Variant type: single nucleotide variant.
Coding change: c.3456A>G on transcript NM_170606.3 (MANE Select); coding-DNA position 3456, A replaced by G.
Protein change: p.Glu1152=; no amino-acid change (glutamic acid 1152 retained).
Molecular consequence: synonymous variant.
Genome position (GRCh38, 1-based): chr7:152,222,044, T>C on the plus strand (A>G on the coding strand, the complement: KMT2C is on the minus strand). VCF-style: chr7-152222044-T-C. GRCh37 (hg19) VCF-style: chr7-151919129-T-C.
Identifiers: ClinVar variation 5007189 (VCV005007189.2).